The following is an entry in ClinVar:

ClinVar aggregate classification (germline): Likely benign (1 of 4 stars; one submission).

Conditions:
Mitochondrial DNA depletion syndrome 6 (hepatocerebral type). Also called: Navajo neurohepatopathy; NAVAJO NEUROPATHY; Mitochondrial DNA depletion syndrome type 6. Identifiers: Orphanet 255229, MedGen C1850406, MONDO:0009747, OMIM 256810.

Allele frequency attached by ClinVar (database versions not stated): gnomAD exomes 0.00021; gnomAD 0.00178 and 0.00190; TOPMed 0.00204; 1000 Genomes Project 0.00280; 1000 Genomes Project 30x 0.00328.
gnomAD v4.1: 394 of 622,260 alleles (0.063%); highest among the groups gnomAD compares: African/African-American, 0.61%; 2 homozygotes.

Submission:

Illumina Laboratory Services, Illumina
Classification: Likely benign for Mitochondrial DNA depletion syndrome 6 (hepatocerebral type). Last evaluated: 2018-01-12. Review status: criteria provided, single submitter. Criteria: ICSL Variant Classification Criteria 13 December 2019. Collection method: clinical testing. Allele origin: germline.
Comment: This variant was observed in the ICSL laboratory as part of a predisposition screen in an ostensibly healthy population. It had not been previously curated by ICSL or reported in the Human Gene Mutation Database (HGMD: prior to June 1st, 2018), and was therefore a candidate for classification through an automated scoring system. Utilizing variant allele frequency, disease prevalence and penetrance estimates, and inheritance mode, an automated score was calculated to assess if this variant is too frequent to cause the disease. Based on the score and internal cut-off values, a variant classified as likely benign is not then subjected to further curation. The score for this variant resulted in a classification of likely benign for this disease.

NM_002437.5(MPV17):c.*229T>C

Gene: MPV17 (mitochondrial inner membrane protein MPV17; minus strand). Cytogenetic location: 2p23.3.
Variant type: single nucleotide variant.
Coding change: c.*229T>C on transcript NM_002437.5 (MANE Select); 229 bases downstream of the stop codon, T replaced by C.
Molecular consequence: 3 prime UTR variant.
Genome position (GRCh38, 1-based): chr2:27,309,683, A>G on the plus strand (T>C on the coding strand, the complement: MPV17 is on the minus strand). VCF-style: chr2-27309683-A-G. GRCh37 (hg19) VCF-style: chr2-27532551-A-G.
Identifiers: ClinVar variation 897342 (VCV000897342.4), dbSNP rs527826929, ClinGen allele CA44515838.
Genomic context (GRCh38, chr2:27,309,683, plus strand): 5'-TGAGTGGCATTTGCTGGGATATGGGTGTAAAGTTGATAAGGTCATGAAGGTTCAACAGAT[A>G]TTTATGGAGTGCCTAGTATGTGGTGGGAATAAGACTATTATCAAGGGCTCTAAAGCAGTC-3'